The following is an entry in ClinVar:

ClinVar aggregate classification (germline): Uncertain significance. Review status: criteria provided, multiple submitters, no conflicts (2 of 4 stars). 2 submissions from 2 submitters: Uncertain significance (2). Last evaluated 2026-09-04.

Conditions:
Baller-Gerold syndrome (BGS). Also called: CRANIOSYNOSTOSIS WITH RADIAL DEFECTS. Identifiers: Orphanet 1225, MedGen C0265308, MONDO:0009039, OMIM 218600.
Inborn genetic diseases. Identifiers: MedGen C0950123, MeSH D030342.

Submissions (2):

Ambry Genetics
Classification: Uncertain significance for Inborn genetic diseases. Last evaluated: 2026-09-04. Review status: criteria provided, single submitter. Criteria: Ambry Variant Classification Scheme 2023. Collection method: clinical testing. Allele origin: germline.
Comment: The p.Q309H variant (also known as c.927G>T), located in coding exon 5 of the RECQL4 gene, results from a G to T substitution at nucleotide position 927. The glutamine at codon 309 is replaced by histidine, an amino acid with highly similar properties. This amino acid position is conserved. In addition, this alteration is predicted to be tolerated by in silico analysis. Based on the available evidence, the clinical significance of this variant remains unclear.

Labcorp Genetics (formerly Invitae), Labcorp
Classification: Uncertain significance for Baller-Gerold syndrome. Last evaluated: 2019-12-23. Review status: criteria provided, single submitter. Criteria: Invitae Variant Classification Sherloc (09022015). Collection method: clinical testing. Allele origin: germline.
Comment: In summary, the available evidence is currently insufficient to determine the role of this variant in disease. Therefore, it has been classified as a Variant of Uncertain Significance. Algorithms developed to predict the effect of missense changes on protein structure and function are either unavailable or do not agree on the potential impact of this missense change (SIFT: "Tolerated"; PolyPhen-2: "Not available"; Align-GVGD: "Class C0"). This variant has not been reported in the literature in individuals with RECQL4-related conditions. This variant is not present in population databases (ExAC no frequency). This sequence change replaces glutamine with histidine at codon 309 of the RECQL4 protein (p.Gln309His). The glutamine residue is weakly conserved and there is a small physicochemical difference between glutamine and histidine.

NM_004260.4(RECQL4):c.927G>T (p.Gln309His)

Gene: RECQL4 (RecQ like helicase 4; minus strand). Cytogenetic location: 8q24.3.
Variant type: single nucleotide variant.
Coding change: c.927G>T on transcript NM_004260.4 (MANE Select); coding-DNA position 927, G replaced by T.
Protein change: p.Gln309His; replaces glutamine 309 with histidine.
Molecular consequence: missense variant.
Genome position (GRCh38, 1-based): chr8:144,516,192, C>A on the plus strand (G>T on the coding strand, the complement: RECQL4 is on the minus strand). VCF-style: chr8-144516192-C-A. GRCh37 (hg19) VCF-style: chr8-145741576-C-A.
Other names: short protein forms Q309H.
Identifiers: ClinVar variation 835922 (VCV000835922.7), dbSNP rs1814934410, ClinGen allele CA372688644.